The following is an entry in ClinVar:

NM_004519.4(KCNQ3):c.1710G>A (p.Met570Ile)

Gene: KCNQ3 (potassium voltage-gated channel subfamily Q member 3; minus strand). Cytogenetic location: 8q24.22.
Variant type: single nucleotide variant.
Coding change: c.1710G>A on transcript NM_004519.4 (MANE Select); coding-DNA position 1710, G replaced by A.
Protein change: p.Met570Ile; replaces methionine 570 with isoleucine.
Molecular consequence: missense variant.
Genome position (GRCh38, 1-based): chr8:132,134,379, C>T on the plus strand (G>A on the coding strand, the complement: KCNQ3 is on the minus strand). VCF-style: chr8-132134379-C-T. GRCh37 (hg19) VCF-style: chr8-133146626-C-T.
Other names: c.1350G>A, p.Met450Ile (NM_001204824.2); short protein forms M450I, M570I.
Identifiers: ClinVar variation 1016296 (VCV001016296.12), dbSNP rs375264509, ClinGen allele CA4880608.

ClinVar aggregate classification (germline): Uncertain significance. Review status: criteria provided, multiple submitters, no conflicts (2 of 4 stars). 2 submissions from 2 submitters: Uncertain significance (2). Last evaluated 2026-01-01.

Conditions:
Benign neonatal seizures. Also called: Benign familial neonatal seizures; Benign familial neonatal epilepsy; Convulsions benign familial neonatal dominant form; Autosomal dominant form of benign neonatal seizures; Benign neonatal familial convulsions. Identifiers: Orphanet 1949, MedGen C0220669, MONDO:0016027.

Allele frequency attached by ClinVar (database versions not stated): gnomAD 0.00001; ExAC 0.00002; gnomAD exomes 0.00002; TOPMed 0.00002; ESP Exome Variant Server 0.00008.
gnomAD v4.1: 37 of 1,609,792 alleles (0.0023%); highest among the groups gnomAD compares: Non-Finnish European, 0.003%; no homozygotes.

Submissions (2):

CeGaT Center for Human Genetics Tuebingen
Classification: Uncertain significance. Last evaluated: 2026-01-01. Review status: criteria provided, single submitter. Criteria: CeGaT Center For Human Genetics Tuebingen Variant Classification Criteria Version 2. Collection method: clinical testing. Allele origin: germline. Affected: yes. Observed: 1 variant allele.
Comment: KCNQ3: PM2:Supporting

Labcorp Genetics (formerly Invitae), Labcorp
Classification: Uncertain significance for Benign neonatal seizures. Last evaluated: 2023-04-26. Review status: criteria provided, single submitter. Criteria: Invitae Variant Classification Sherloc (09022015). Collection method: clinical testing. Allele origin: germline.
Comment: In summary, the available evidence is currently insufficient to determine the role of this variant in disease. Therefore, it has been classified as a Variant of Uncertain Significance. Advanced modeling of protein sequence and biophysical properties (such as structural, functional, and spatial information, amino acid conservation, physicochemical variation, residue mobility, and thermodynamic stability) performed at Invitae indicates that this missense variant is not expected to disrupt KCNQ3 protein function. ClinVar contains an entry for this variant (Variation ID: 1016296). This variant has not been reported in the literature in individuals affected with KCNQ3-related conditions. This variant is present in population databases (rs375264509, gnomAD 0.004%). This sequence change replaces methionine, which is neutral and non-polar, with isoleucine, which is neutral and non-polar, at codon 570 of the KCNQ3 protein (p.Met570Ile).